The following is an entry in ClinVar:

NM_001100913.3(PACS2):c.589A>T (p.Asn197Tyr)

Gene: PACS2 (phosphofurin acidic cluster sorting protein 2; plus strand). Cytogenetic location: 14q32.33.
Variant type: single nucleotide variant.
Coding change: c.589A>T on transcript NM_001100913.3 (MANE Select); coding-DNA position 589, A replaced by T.
Protein change: p.Asn197Tyr; replaces asparagine 197 with tyrosine.
Molecular consequence: missense variant.
Genome position (GRCh38, 1-based): chr14:105,368,076, A>T. VCF-style: chr14-105368076-A-T. GRCh37 (hg19) VCF-style: chr14-105834413-A-T.
Other names: c.388A>T, p.Asn130Tyr (NM_001243127.3); c.589A>T, p.Asn197Tyr (NM_015197.4); short protein forms N130Y, N197Y.
Identifiers: ClinVar variation 3251248 (VCV003251248.2), dbSNP rs1347511891.

ClinVar aggregate classification (germline): Uncertain significance (1 of 4 stars; one submission).

Submission:

Women's Health and Genetics/Laboratory Corporation of America, LabCorp
Classification: Uncertain significance. Last evaluated: 2025-02-07. Review status: criteria provided, single submitter. Criteria: LabCorp Variant Classification Summary - May 2015. Collection method: clinical testing. Allele origin: germline.
Comment: Variant summary: PACS2 c.589A>T (p.Asn197Tyr) results in a non-conservative amino acid change in the encoded protein sequence. Four of five in-silico tools predict a damaging effect of the variant on protein function. Consensus agreement among computation tools predict no significant impact on normal splicing. However, these predictions have yet to be confirmed by functional studies. The variant was absent in 250144 control chromosomes. The available data on variant occurrences in the general population are insufficient to allow any conclusion about variant significance. To our knowledge, no occurrence of c.589A>T in individuals affected with Developmental And Epileptic Encephalopathy, 66 and no experimental evidence demonstrating its impact on protein function have been reported. ClinVar contains an entry for this variant (Variation ID: 3251248). Based on the evidence outlined above, the variant was classified as uncertain significance.